The following is an entry in ClinVar:

NM_144599.5(NIPA1):c.*1395C>T

Gene: NIPA1 (NIPA magnesium transporter 1; plus strand). Cytogenetic location: 15q11.2.
Variant type: single nucleotide variant.
Coding change: c.*1395C>T on transcript NM_144599.5 (MANE Select); 1395 bases downstream of the stop codon, C replaced by T.
Molecular consequence: 3 prime UTR variant.
Genome position (GRCh38, 1-based): chr15:22,825,634, C>T. VCF-style: chr15-22825634-C-T. GRCh37 (hg19) VCF-style: chr15-23047434-G-A.
Other names: c.*1395C>T (NM_001142275.1).
Identifiers: ClinVar variation 315401 (VCV000315401.5), dbSNP rs537516417, ClinGen allele CA10641453.
Genomic context (GRCh38, chr15:22,825,634, plus strand): 5'-AAATTAGGTAACTTGATAATAAGGCTAAGTGGGAGAGTACCTGTTCAATAGCTCATATAT[C>T]GAGTACCCTGTCATACAGGAACAAGTTAAAGGACACAATTGAGGTTAGGCTAGCTTCTAC-3'

ClinVar aggregate classification (germline): Benign (1 of 4 stars; one submission).

Conditions:
Hereditary spastic paraplegia 6 (SPG6). Also called: SPASTIC PARAPLEGIA 6, AUTOSOMAL DOMINANT. Identifiers: Orphanet 100988, MedGen C1838192, MONDO:0010878, OMIM 600363.

Allele frequency attached by ClinVar (database versions not stated): gnomAD 0.00021 and 0.00034; TOPMed 0.00024; 1000 Genomes Project 0.00120; 1000 Genomes Project 30x 0.00172.

Submission:

Illumina Laboratory Services, Illumina
Classification: Benign for Hereditary spastic paraplegia 6. Last evaluated: 2018-01-12. Review status: criteria provided, single submitter. Criteria: ICSL Variant Classification Criteria 13 December 2019. Collection method: clinical testing. Allele origin: germline.
Comment: This variant was observed in the ICSL laboratory as part of a predisposition screen in an ostensibly healthy population. It had not been previously curated by ICSL or reported in the Human Gene Mutation Database (HGMD: prior to June 1st, 2018), and was therefore a candidate for classification through an automated scoring system. Utilizing variant allele frequency, disease prevalence and penetrance estimates, and inheritance mode, an automated score was calculated to assess if this variant is too frequent to cause the disease. Based on the score and internal cut-off values, a variant classified as benign is not then subjected to further curation. The score for this variant resulted in a classification of benign for this disease.